The following is an entry in ClinVar:

NM_018109.4(MTPAP):c.509C>T (p.Pro170Leu)

Gene: MTPAP (mitochondrial poly(A) polymerase; minus strand). Cytogenetic location: 10p11.23.
Variant type: single nucleotide variant.
Coding change: c.509C>T on transcript NM_018109.4 (MANE Select); coding-DNA position 509, C replaced by T.
Protein change: p.Pro170Leu; replaces proline 170 with leucine.
Molecular consequence: missense variant.
Genome position (GRCh38, 1-based): chr10:30,340,272, G>A on the plus strand (C>T on the coding strand, the complement: MTPAP is on the minus strand). VCF-style: chr10-30340272-G-A. GRCh37 (hg19) VCF-style: chr10-30629201-G-A.
Other names: short protein forms P170L.
Identifiers: ClinVar variation 1956461 (VCV001956461.2), dbSNP rs2538467735, ClinGen allele CA376427857.

ClinVar aggregate classification (germline): Uncertain significance (1 of 4 stars; one submission).

Submission:

Labcorp Genetics (formerly Invitae), Labcorp
Classification: Uncertain significance. Last evaluated: 2022-06-02. Review status: criteria provided, single submitter. Criteria: Invitae Variant Classification Sherloc (09022015). Collection method: clinical testing. Allele origin: germline.
Comment: This sequence change replaces proline, which is neutral and non-polar, with leucine, which is neutral and non-polar, at codon 170 of the MTPAP protein (p.Pro170Leu). This variant is not present in population databases (gnomAD no frequency). This variant has not been reported in the literature in individuals affected with MTPAP-related conditions. Algorithms developed to predict the effect of missense changes on protein structure and function (SIFT, PolyPhen-2, Align-GVGD) all suggest that this variant is likely to be tolerated. In summary, the available evidence is currently insufficient to determine the role of this variant in disease. Therefore, it has been classified as a Variant of Uncertain Significance.